The following is an entry in ClinVar:

NM_007294.4(BRCA1):c.46A>C (p.Asn16His)

Gene: BRCA1 (BRCA1 DNA repair associated; minus strand). Cytogenetic location: 17q21.31.
Variant type: single nucleotide variant.
Coding change: c.46A>C on transcript NM_007294.4 (MANE Select); coding-DNA position 46, A replaced by C.
Protein change: p.Asn16His; replaces asparagine 16 with histidine.
Molecular consequence: missense variant. On other transcripts: 5 prime UTR variant (1), non-coding transcript variant (1).
Genome position (GRCh38, 1-based): chr17:43,124,051, T>G on the plus strand (A>C on the coding strand, the complement: BRCA1 is on the minus strand). VCF-style: chr17-43124051-T-G. GRCh37 (hg19) VCF-style: chr17-41276068-T-G.
Other names: c.-143A>C (NM_001407571.1, NM_001407853.1, NM_001407879.1 and 46 more transcripts); c.46A>C, p.Asn16His (NM_001407581.1, NM_001407582.1, NM_001407583.1 and 193 more transcripts); c.-212A>C (NM_001407694.1, NM_001407724.1, NM_001407727.1 and 11 more transcripts); c.-216A>C (NM_001407695.1, NM_001408465.1); c.-357A>C (NM_001407696.1); c.-241A>C (NM_001407697.1, NM_001407846.1, NM_001407920.1); c.-42A>C (NM_001407698.1, NM_001407732.1, NM_001407736.1 and 23 more transcripts); c.-215A>C (NM_001407725.1, NM_001407730.1, NM_001407734.1 and 22 more transcripts); and 8 more; short protein forms N16H.
Identifiers: ClinVar variation 867715 (VCV000867715.3), dbSNP rs2055729884, ClinGen allele CA10602069.

Conditions:
Breast-ovarian cancer, familial, susceptibility to, 1 (BROVCA1). Also called: BRCA1 Hereditary Breast and Ovarian Cancer; OVARIAN CANCER, SUSCEPTIBILITY TO. Identifiers: Orphanet 145, MedGen C2676676, MONDO:0011450, OMIM 604370. Disease mechanism: loss of function.

Submission:

Brotman Baty Institute, University of Washington
No classification provided (evidence only). Condition: Breast-ovarian cancer, familial 1. Review status: no classification provided. Collection method: in vitro. Allele origin: not applicable. Functional consequence: functionally_normal.
ClinVar note: "not provided" was previously submitted as the classification for the variant. However, the classification appeared to be based only on an observation of functional data so it was converted to no classification on 2025-07-30.